The following is an entry in ClinVar:

NM_002582.4(PARN):c.1779G>T (p.Gln593His)

Gene: PARN (poly(A)-specific ribonuclease; minus strand). Cytogenetic location: 16p13.12.
Variant type: single nucleotide variant.
Coding change: c.1779G>T on transcript NM_002582.4 (MANE Select); coding-DNA position 1779, G replaced by T.
Protein change: p.Gln593His; replaces glutamine 593 with histidine.
Molecular consequence: missense variant.
Genome position (GRCh38, 1-based): chr16:14,446,973, C>A on the plus strand (G>T on the coding strand, the complement: PARN is on the minus strand). VCF-style: chr16-14446973-C-A. GRCh37 (hg19) VCF-style: chr16-14540830-C-A.
Other names: c.1596G>T, p.Gln532His (NM_001134477.3); c.1641G>T, p.Gln547His (NM_001242992.2); short protein forms Q593H, Q532H, Q547H.
Identifiers: ClinVar variation 2932111 (VCV002932111.3), dbSNP rs1384912048, ClinGen allele CA395184388.

ClinVar aggregate classification (germline): Uncertain significance (1 of 4 stars; one submission).

Conditions:
Dyskeratosis congenita, autosomal recessive 6 (DKCB6). Identifiers: MedGen C4225356, MONDO:0014600, OMIM 616353.
Pulmonary fibrosis and/or bone marrow failure, Telomere-related, 4. Also called: PULMONARY FIBROSIS AND/OR BONE MARROW FAILURE SYNDROME, TELOMERE-RELATED, 4. Identifiers: Orphanet 2032, MedGen C4225347, MONDO:0014612, OMIM 616371.

Submission:

Labcorp Genetics (formerly Invitae), Labcorp
Classification: Uncertain significance for Dyskeratosis congenita, autosomal recessive 6; Pulmonary fibrosis and/or bone marrow failure, Telomere-related, 4. Last evaluated: 2025-02-10. Review status: criteria provided, single submitter. Criteria: Invitae Variant Classification Sherloc (09022015). Collection method: clinical testing. Allele origin: germline.
Comment: This sequence change replaces glutamine, which is neutral and polar, with histidine, which is basic and polar, at codon 593 of the PARN protein (p.Gln593His). This variant is not present in population databases (gnomAD no frequency). This variant has not been reported in the literature in individuals affected with PARN-related conditions. ClinVar contains an entry for this variant (Variation ID: 2932111). An algorithm developed to predict the effect of missense changes on protein structure and function (PolyPhen-2) suggests that this variant is likely to be tolerated. In summary, the available evidence is currently insufficient to determine the role of this variant in disease. Therefore, it has been classified as a Variant of Uncertain Significance.